The following is an entry in ClinVar:

NM_005216.5(DDOST):c.6G>T (p.Glu2Asp)

Gene: DDOST (dolichyl-diphosphooligosaccharide--protein glycosyltransferase non-catalytic subunit; minus strand). Cytogenetic location: 1p36.12.
Variant type: single nucleotide variant.
Coding change: c.6G>T on transcript NM_005216.5 (MANE Select); coding-DNA position 6, G replaced by T.
Protein change: p.Glu2Asp; replaces glutamic acid 2 with aspartic acid.
Molecular consequence: missense variant.
Genome position (GRCh38, 1-based): chr1:20,661,345, C>A on the plus strand (G>T on the coding strand, the complement: DDOST is on the minus strand). VCF-style: chr1-20661345-C-A. GRCh37 (hg19) VCF-style: chr1-20987838-C-A.
Other names: short protein forms E2D.
Identifiers: ClinVar variation 2865033 (VCV002865033.3), dbSNP rs534518091, ClinGen allele CA18977556.

ClinVar aggregate classification (germline): Uncertain significance (1 of 4 stars; one submission).

Conditions:
Congenital disorder of glycosylation type Ir (CDG1R). Also called: DDOST-congenital disorder of glycosylation. Identifiers: Orphanet 300536, MedGen C3281084, MONDO:0013789, OMIM 614507.

Allele frequency attached by ClinVar (database versions not stated): gnomAD 0.00001; TOPMed 0.00001.
gnomAD v4.1: 3 of 1,612,290 alleles (0.00019%); highest among the groups gnomAD compares: African/African-American, 0.0013%; no homozygotes.

Submission:

Labcorp Genetics (formerly Invitae), Labcorp
Classification: Uncertain significance for Congenital disorder of glycosylation type Ir. Last evaluated: 2023-01-30. Review status: criteria provided, single submitter. Criteria: Invitae Variant Classification Sherloc (09022015). Collection method: clinical testing. Allele origin: germline.
Comment: In summary, the available evidence is currently insufficient to determine the role of this variant in disease. Therefore, it has been classified as a Variant of Uncertain Significance. Algorithms developed to predict the effect of missense changes on protein structure and function output the following: SIFT: "Tolerated"; PolyPhen-2: "Benign"; Align-GVGD: "Class C0". The aspartic acid amino acid residue is found in multiple mammalian species, which suggests that this missense change does not adversely affect protein function. This variant has not been reported in the literature in individuals affected with DDOST-related conditions. This variant is not present in population databases (gnomAD no frequency). This sequence change replaces glutamic acid, which is acidic and polar, with aspartic acid, which is acidic and polar, at codon 19 of the DDOST protein (p.Glu19Asp).